The following is an entry in ClinVar:

ClinVar aggregate classification (germline): Uncertain significance. Review status: criteria provided, multiple submitters, no conflicts (2 of 4 stars). 2 submissions from 2 submitters: Uncertain significance (2). Last evaluated 2022-03-02.

Allele frequency attached by ClinVar (database versions not stated): gnomAD 0.00001; TOPMed 0.00002.
gnomAD v4.1: 1 of 1,613,498 alleles (0.000062%); highest among the groups gnomAD compares: African/African-American, 0.0013%; no homozygotes.

Submissions (2):

Labcorp Genetics (formerly Invitae), Labcorp
Classification: Uncertain significance. Last evaluated: 2022-03-02. Review status: criteria provided, single submitter. Criteria: Invitae Variant Classification Sherloc (09022015). Collection method: clinical testing. Allele origin: germline.
Comment: This missense change has been observed in individual(s) with familial exudative vitreoretinopathy (PMID: 25711638). ClinVar contains an entry for this variant (Variation ID: 1057791). Advanced modeling of protein sequence and biophysical properties (such as structural, functional, and spatial information, amino acid conservation, physicochemical variation, residue mobility, and thermodynamic stability) performed at Invitae indicates that this missense variant is expected to disrupt LRP5 protein function. In summary, the available evidence is currently insufficient to determine the role of this variant in disease. Therefore, it has been classified as a Variant of Uncertain Significance. This variant is not present in population databases (gnomAD no frequency). This sequence change replaces arginine, which is basic and polar, with histidine, which is basic and polar, at codon 40 of the LRP5 protein (p.Arg40His).

GeneDx
Classification: Uncertain significance. Last evaluated: 2019-09-05. Review status: criteria provided, single submitter. Criteria: GeneDx Variant Classification Process June 2021. Collection method: clinical testing. Allele origin: germline. Affected: yes.
Comment: Not observed in large population cohorts (Lek et al., 2016); In silico analysis, which includes protein predictors and evolutionary conservation, supports that this variant does not alter protein structure/function; This variant is associated with the following publications: (PMID: 25711638)

Literature cited by the submitters: PubMed 25711638 (cited by Labcorp Genetics (formerly Invitae), Labcorp).

NM_002335.4(LRP5):c.119G>A (p.Arg40His)

Gene: LRP5 (LDL receptor related protein 5; plus strand). Cytogenetic location: 11q13.2.
Variant type: single nucleotide variant.
Coding change: c.119G>A on transcript NM_002335.4 (MANE Select); coding-DNA position 119, G replaced by A.
Protein change: p.Arg40His; replaces arginine 40 with histidine.
Molecular consequence: missense variant. On other transcripts: 5 prime UTR variant (1).
Genome position (GRCh38, 1-based): chr11:68,347,874, G>A. VCF-style: chr11-68347874-G-A. GRCh37 (hg19) VCF-style: chr11-68115342-G-A.
Other names: c.-1647G>A (NM_001291902.2); short protein forms R40H.
Identifiers: ClinVar variation 1057791 (VCV001057791.10), dbSNP rs2098614505, ClinGen allele CA381610113.
Genomic context (GRCh38, chr11:68,347,874, plus strand): 5'-CAGTGGCCCTCACGGTTTGCTTCTGCCCCACAGCCTCGCCGCTCCTGCTATTTGCCAACC[G>A]CCGGGACGTACGGCTGGTGGACGCCGGCGGAGTCAAGCTGGAGTCCACCATCGTGGTCAG-3'
Protein context (NP_002326.2, residues 30-50): AASPLLLFAN[Arg40His]RDVRLVDAGG